The following is an entry in ClinVar:

ClinVar aggregate classification (germline): Uncertain significance. Review status: criteria provided, multiple submitters, no conflicts (2 of 4 stars). 3 submissions from 3 submitters: Uncertain significance (2). 1 of the submissions does not count toward it. Last evaluated 2025-08-29.

Conditions:
Dystrophin deficiency.
Cardiomyopathy (CMYO). Also called: Cardiomyopathies. Identifiers: Orphanet 167848, MedGen C0878544, MONDO:0004994, HP:0001638. Inheritance: Various modes of inheritance.
Becker muscular dystrophy (BMD). Also called: Becker Muscular Dystrophy (BMD); MUSCULAR DYSTROPHY, PSEUDOHYPERTROPHIC PROGRESSIVE, BECKER TYPE. Identifiers: Orphanet 98895, MedGen C0917713, MONDO:0010311, OMIM 300376.
Duchenne muscular dystrophy (DMD). Also called: Duchenne Muscular Dystrophy (DMD); MUSCULAR DYSTROPHY, PSEUDOHYPERTROPHIC PROGRESSIVE, DUCHENNE TYPE. Identifiers: Orphanet 98896, MedGen C0013264, MONDO:0010679, OMIM 310200.
Cardiovascular phenotype. Identifiers: MedGen CN230736.

Allele frequency attached by ClinVar (database versions not stated): gnomAD exomes 0.00001; TOPMed 0.00001.
gnomAD v4.1: 7 of 1,211,306 alleles (0.00058%); highest among the groups gnomAD compares: Non-Finnish European, 0.00067%; no homozygotes.

Submissions (3):

Labcorp Genetics (formerly Invitae), Labcorp
Classification: Uncertain significance for Duchenne muscular dystrophy. Last evaluated: 2025-08-29. Review status: criteria provided, single submitter. Criteria: Invitae Variant Classification Sherloc (09022015). Collection method: clinical testing. Allele origin: germline.
Comment: This sequence change replaces glutamine, which is neutral and polar, with glutamic acid, which is acidic and polar, at codon 378 of the DMD protein (p.Gln378Glu). This variant is not present in population databases (gnomAD no frequency). This variant has not been reported in the literature in individuals affected with DMD-related conditions. ClinVar contains an entry for this variant (Variation ID: 518960). Invitae Evidence Modeling of protein sequence and biophysical properties (such as structural, functional, and spatial information, amino acid conservation, physicochemical variation, residue mobility, and thermodynamic stability) indicates that this missense variant is not expected to disrupt DMD protein function with a negative predictive value of 95%. In summary, the available evidence is currently insufficient to determine the role of this variant in disease. Therefore, it has been classified as a Variant of Uncertain Significance.

Ambry Genetics
Classification: Uncertain significance for Cardiovascular phenotype. Last evaluated: 2022-01-05. Review status: criteria provided, single submitter. Criteria: Ambry Variant Classification Scheme 2023. Collection method: clinical testing. Allele origin: germline.
Comment: The p.Q378E variant (also known as c.1132C>G), located in coding exon 10 of the DMD gene, results from a C to G substitution at nucleotide position 1132. The glutamine at codon 378 is replaced by glutamic acid, an amino acid with highly similar properties. This amino acid position is highly conserved in available vertebrate species. In addition, the in silico prediction for this alteration is inconclusive. Since supporting evidence is limited at this time, the clinical significance of this alteration remains unclear.

Natera, Inc.
Classification: Uncertain significance for Becker muscular dystrophy; Cardiomyopathy; Duchenne muscular dystrophy; Dystrophin deficiency. Last evaluated: 2019-02-05. Review status: no assertion criteria provided. Collection method: clinical testing. Allele origin: germline. Not counted in ClinVar's aggregate classification.

NM_004006.3(DMD):c.1132C>G (p.Gln378Glu)

Gene: DMD (dystrophin; minus strand). Cytogenetic location: Xp21.1.
Variant type: single nucleotide variant.
Coding change: c.1132C>G on transcript NM_004006.3 (MANE Select); coding-DNA position 1132, C replaced by G.
Protein change: p.Gln378Glu; replaces glutamine 378 with glutamic acid.
Molecular consequence: missense variant.
Genome position (GRCh38, 1-based): chrX:32,644,981, G>C on the plus strand (C>G on the coding strand, the complement: DMD is on the minus strand). VCF-style: chrX-32644981-G-C. GRCh37 (hg19) VCF-style: chrX-32663098-G-C.
Other names: c.1108C>G, p.Gln370Glu (NM_000109.4); c.1120C>G, p.Gln374Glu (NM_004009.3); c.763C>G, p.Gln255Glu (NM_004010.3); short protein forms Q378E, Q255E, Q374E, Q370E.
Identifiers: ClinVar variation 518960 (VCV000518960.14), dbSNP rs1556876203, ClinGen allele CA412661720.